The following is an entry in ClinVar:

ClinVar aggregate classification (germline): Uncertain significance (1 of 4 stars; one submission).

Submission:

CeGaT Center for Human Genetics Tuebingen
Classification: Uncertain significance. Last evaluated: 2026-02-01. Review status: criteria provided, single submitter. Criteria: CeGaT Center For Human Genetics Tuebingen Variant Classification Criteria Version 2. Collection method: clinical testing. Allele origin: germline. Affected: yes. Observed: 1 variant allele.
Comment: SLCO2A1: PM2

NM_005630.3(SLCO2A1):c.102T>G (p.Phe34Leu)

Gene: SLCO2A1 (solute carrier organic anion transporter family member 2A1; minus strand). Cytogenetic location: 3q22.1.
Variant type: single nucleotide variant.
Coding change: c.102T>G on transcript NM_005630.3 (MANE Select); coding-DNA position 102, T replaced by G.
Protein change: p.Phe34Leu; replaces phenylalanine 34 with leucine.
Molecular consequence: missense variant.
Genome position (GRCh38, 1-based): chr3:133,979,613, A>C on the plus strand (T>G on the coding strand, the complement: SLCO2A1 is on the minus strand). VCF-style: chr3-133979613-A-C. GRCh37 (hg19) VCF-style: chr3-133698457-A-C.
Other names: short protein forms F34L.
Identifiers: ClinVar variation 4821813 (VCV004821813.4).